The following is an entry in ClinVar:

ClinVar aggregate classification (germline): Uncertain significance. Review status: criteria provided, multiple submitters, no conflicts (2 of 4 stars). 3 submissions from 3 submitters: Uncertain significance (3). Last evaluated 2025-12-26.

Conditions:
Dilated cardiomyopathy 1KK (CMD1KK). Identifiers: Orphanet 154, Orphanet 75249, MedGen C3714995, MONDO:0014100, OMIM 615248.
MYPN-related myopathy (CMYO24). Also called: Nemaline myopathy 11, autosomal recessive. Identifiers: MedGen C4479186, MONDO:0015023, OMIM 617336.
Cardiovascular phenotype. Identifiers: MedGen CN230736.

Allele frequency attached by ClinVar (database versions not stated): gnomAD exomes below 0.00001 and 0.00001; TOPMed below 0.00001.
gnomAD v4.1: 9 of 1,614,188 alleles (0.00056%); highest among the groups gnomAD compares: Non-Finnish European, 0.00068%; no homozygotes.

Submissions (3):

Ambry Genetics
Classification: Uncertain significance for Cardiovascular phenotype. Last evaluated: 2025-12-26. Review status: criteria provided, single submitter. Criteria: Ambry Variant Classification Scheme 2023. Collection method: clinical testing. Allele origin: germline.
Comment: The p.D201N variant (also known as c.601G>A), located in coding exon 1 of the MYPN gene, results from a G to A substitution at nucleotide position 601. The aspartic acid at codon 201 is replaced by asparagine, an amino acid with highly similar properties. This amino acid position is conserved. In addition, this alteration is predicted to be tolerated by in silico analysis. Based on the available evidence, the clinical significance of this variant remains unclear.

Fulgent Genetics
Classification: Uncertain significance for Dilated cardiomyopathy 1KK; MYPN-related myopathy. Last evaluated: 2021-10-15. Review status: criteria provided, single submitter. Criteria: ACMG Guidelines, 2015. Collection method: clinical testing. Allele origin: unknown.

Labcorp Genetics (formerly Invitae), Labcorp
Classification: Uncertain significance for Dilated cardiomyopathy 1KK. Last evaluated: 2018-07-20. Review status: criteria provided, single submitter. Criteria: Invitae Variant Classification Sherloc (09022015). Collection method: clinical testing. Allele origin: germline.
Comment: In summary, the available evidence is currently insufficient to determine the role of this variant in disease. Therefore, it has been classified as a Variant of Uncertain Significance. Algorithms developed to predict the effect of missense changes on protein structure and function (SIFT, PolyPhen-2, Align-GVGD) all suggest that this variant is likely to be tolerated, but these predictions have not been confirmed by published functional studies and their clinical significance is uncertain. This variant has not been reported in the literature in individuals with MYPN-related disease. This variant is not present in population databases (ExAC no frequency). This sequence change replaces aspartic acid with asparagine at codon 201 of the MYPN protein (p.Asp201Asn). The aspartic acid residue is moderately conserved and there is a small physicochemical difference between aspartic acid and asparagine.

NM_032578.4(MYPN):c.601G>A (p.Asp201Asn)

Gene: MYPN (myopalladin; plus strand). Cytogenetic location: 10q21.3.
Variant type: single nucleotide variant.
Coding change: c.601G>A on transcript NM_032578.4 (MANE Select); coding-DNA position 601, G replaced by A.
Protein change: p.Asp201Asn; replaces aspartic acid 201 with asparagine.
Molecular consequence: missense variant. On other transcripts: 5 prime UTR variant (1), non-coding transcript variant (1).
Genome position (GRCh38, 1-based): chr10:68,122,039, G>A. VCF-style: chr10-68122039-G-A. GRCh37 (hg19) VCF-style: chr10-69881796-G-A.
Other names: c.601G>A, p.Asp201Asn (NM_001256267.2); c.-522G>A (NM_001256268.2); c.601G>A (NM_032578.2); short protein forms D201N.
Identifiers: ClinVar variation 654406 (VCV000654406.11), dbSNP rs1454105180, ClinGen allele CA377104725.